The following is an entry in ClinVar:

ClinVar aggregate classification (germline): Uncertain significance. Review status: criteria provided, multiple submitters, no conflicts (2 of 4 stars). 5 submissions from 5 submitters: Uncertain significance (5). Last evaluated 2025-09-28.

Conditions:
Familial thoracic aortic aneurysm and aortic dissection (TAAD). Also called: Thoracic aortic aneurysms and dissections. Identifiers: Orphanet 91387, MedGen C4707243, MONDO:0019625.
Aortic aneurysm, familial thoracic 4 (AAT4). Also called: AORTIC ANEURYSM/AORTIC DISSECTION AND PATENT DUCTUS ARTERIOSUS. Identifiers: MedGen C1851504, MONDO:0007568, OMIM 132900.

Allele frequency attached by ClinVar (database versions not stated): gnomAD exomes 0.00001.
gnomAD v4.1: 6 of 1,613,024 alleles (0.00037%); highest among the groups gnomAD compares: Admixed American, 0.0083%; no homozygotes.

Submissions (5):

Ambry Genetics
Classification: Uncertain significance for Familial thoracic aortic aneurysm and aortic dissection. Last evaluated: 2025-09-28. Review status: criteria provided, single submitter. Criteria: Ambry Variant Classification Scheme 2023. Collection method: clinical testing. Allele origin: germline.

Labcorp Genetics (formerly Invitae), Labcorp
Classification: Uncertain significance for Aortic aneurysm, familial thoracic 4. Last evaluated: 2025-07-27. Review status: criteria provided, single submitter. Criteria: Invitae Variant Classification Sherloc (09022015). Collection method: clinical testing. Allele origin: germline.
Comment: This sequence change replaces valine, which is neutral and non-polar, with methionine, which is neutral and non-polar, at codon 1268 of the MYH11 protein (p.Val1268Met). This variant is not present in population databases (gnomAD no frequency). This variant has not been reported in the literature in individuals affected with MYH11-related conditions. ClinVar contains an entry for this variant (Variation ID: 373385). Invitae Evidence Modeling of protein sequence and biophysical properties (such as structural, functional, and spatial information, amino acid conservation, physicochemical variation, residue mobility, and thermodynamic stability) indicates that this missense variant is not expected to disrupt MYH11 protein function with a negative predictive value of 95%. In summary, the available evidence is currently insufficient to determine the role of this variant in disease. Therefore, it has been classified as a Variant of Uncertain Significance.

Color Diagnostics, LLC DBA Color Health
Classification: Uncertain significance for Familial thoracic aortic aneurysm and aortic dissection. Last evaluated: 2024-03-06. Review status: criteria provided, single submitter. Criteria: ACMG Guidelines, 2015. Collection method: clinical testing. Allele origin: germline.
Comment: This missense variant replaces valine with methionine at codon 1268 of the MYH11 protein. Computational prediction tool suggests that this variant may have a neutral impact on protein structure and function. Splice site prediction tools suggest that this variant may not impact RNA splicing. To our knowledge, functional studies have not been performed for this variant. This variant has not been reported in individuals affected with cardiovascular disorders in the literature. This variant has not been identified in the general population by the Genome Aggregation Database (gnomAD). The available evidence is insufficient to determine the role of this variant in disease conclusively. Therefore, this variant is classified as a Variant of Uncertain Significance.

All of Us Research Program, National Institutes of Health
Classification: Uncertain significance for Familial thoracic aortic aneurysm and aortic dissection. Last evaluated: 2023-12-18. Review status: criteria provided, single submitter. Criteria: ACMG Guidelines, 2015. Collection method: clinical testing. Allele origin: germline. Inheritance: Autosomal dominant inheritance. Observed: 2 variant alleles, 2 heterozygotes.
Comment: This missense variant replaces valine with methionine at codon 1268 of the MYH11 protein. Computational prediction tool suggests that this variant may not impact protein structure and function (internally defined REVEL score threshold <=0.5, PMID: 27666373). Splice site prediction tools suggest that this variant may not impact RNA splicing. To our knowledge, functional studies have not been performed for this variant. This variant has not been reported in individuals affected with cardiovascular disorders in the literature. This variant has not been identified in the general population by the Genome Aggregation Database (gnomAD). The available evidence is insufficient to determine the role of this variant in disease conclusively. Therefore, this variant is classified as a Variant of Uncertain Significance.

This study involves interpretation of variants in research participants for the purpose of population health screening. Participant phenotype was not available at the time of variant classification. Additional details can be found in publication PMID: 35346344, PMCID: PMC8962531

GeneDx
Classification: Uncertain significance. Last evaluated: 2016-11-28. Review status: criteria provided, single submitter. Criteria: GeneDx Variant Classification (06012015). Collection method: clinical testing. Allele origin: germline. Affected: yes.
Comment: The V1261M variant in the MYH11 gene has not been reported previously as a pathogenic variant, nor as a benign variant, to our knowledge. The V1261M variant was not observed in approximately 6,500 individuals of European and African American ancestry in the NHLBI Exome Sequencing Project, indicating it is not a common benign variant in these populations. The V1261M variant is a conservative amino acid substitution, which is not likely to impact secondary protein structure as these residues share similar properties. This substitution occurs at a position where amino acids with similar properties to Valine are tolerated across species. In silico analysis is inconsistent in its predictions as to whether or not the variant is damaging to the protein structure/function. We interpret V1261M as a variant of uncertain significance.

NM_002474.3(MYH11):c.3781G>A (p.Val1261Met)

Gene: MYH11 (myosin heavy chain 11; minus strand). Cytogenetic location: 16p13.11.
Variant type: single nucleotide variant.
Coding change: c.3781G>A on transcript NM_002474.3 (MANE Select); coding-DNA position 3781, G replaced by A.
Protein change: p.Val1261Met; replaces valine 1261 with methionine.
Molecular consequence: missense variant.
Genome position (GRCh38, 1-based): chr16:15,726,925, C>T on the plus strand (G>A on the coding strand, the complement: MYH11 is on the minus strand). VCF-style: chr16-15726925-C-T. GRCh37 (hg19) VCF-style: chr16-15820782-C-T.
Other names: c.3802G>A, p.Val1268Met (NM_001040113.2, NM_001040114.2); c.3781G>A, p.Val1261Met (NM_022844.3); short protein forms V1261M, V1268M.
Identifiers: ClinVar variation 373385 (VCV000373385.17), dbSNP rs1057518389, ClinGen allele CA16042975.